The following is an entry in ClinVar:

NM_000264.5(PTCH1):c.3530del (p.Phe1177fs)

Gene: PTCH1 (patched 1; minus strand). Cytogenetic location: 9q22.32.
Variant type: Deletion.
Coding change: c.3530del on transcript NM_000264.5 (MANE Select); coding-DNA position 3530, one base deleted (T; older notation c.3530delT).
Protein change: p.Phe1177fs; shifts the reading frame from phenylalanine 1177.
Molecular consequence: frameshift variant. On other transcripts: non-coding transcript variant (1).
Genome position (GRCh38, 1-based): chr9:95,449,860, A deleted on the plus strand (T on the coding strand, the reverse complement: PTCH1 is on the minus strand); the first of 3 consecutive A bases (chr9:95,449,860-95,449,862); deleting any one gives the same sequence. VCF-style (leftmost placement, unchanged base first): chr9-95449859-GA-G. GRCh37 (hg19) VCF-style: chr9-98212141-GA-G.
Other names: c.3332del, p.Phe1111fs (NM_001083602.3); c.3527del, p.Phe1176fs (NM_001083603.3); c.3077del, p.Phe1026fs (NM_001083604.3, NM_001083605.3, NM_001083606.3 and 1 more transcripts); c.3374del, p.Phe1125fs (NM_001354918.2); short protein forms F1026fs, F1125fs, F1176fs, F1111fs, F1177fs.
Identifiers: ClinVar variation 1451207 (VCV001451207.6), dbSNP rs2136607614, ClinGen allele CA2573144856.

ClinVar aggregate classification (germline): Pathogenic (1 of 4 stars; one submission).

Conditions:
Gorlin syndrome. Also called: Basal cell nevus syndrome; Nevoid Basal Cell Carcinoma Syndrome. Identifiers: Orphanet 377, MedGen C0004779, MONDO:0007187.

Submission:

Labcorp Genetics (formerly Invitae), Labcorp
Classification: Pathogenic for Gorlin syndrome. Last evaluated: 2020-11-26. Review status: criteria provided, single submitter. Criteria: Invitae Variant Classification Sherloc (09022015). Collection method: clinical testing. Allele origin: germline.
Comment: This sequence change creates a premature translational stop signal (p.Phe1177Serfs*14) in the PTCH1 gene. It is expected to result in an absent or disrupted protein product. Loss-of-function variants in PTCH1 are known to be pathogenic (PMID: 16301862, 16419085). This variant is not present in population databases (ExAC no frequency). This variant has not been reported in the literature in individuals with PTCH1-related conditions. For these reasons, this variant has been classified as Pathogenic.

Literature cited by the submitters: PubMed 16301862; PubMed 16419085.